The following is an entry in ClinVar:

NM_000384.3(APOB):c.10601G>A (p.Gly3534Asp)

Gene: APOB (apolipoprotein B; minus strand). Cytogenetic location: 2p24.1.
Variant type: single nucleotide variant.
Coding change: c.10601G>A on transcript NM_000384.3 (MANE Select); coding-DNA position 10601, G replaced by A.
Protein change: p.Gly3534Asp; replaces glycine 3534 with aspartic acid.
Molecular consequence: missense variant.
Genome position (GRCh38, 1-based): chr2:21,006,267, C>T on the plus strand (G>A on the coding strand, the complement: APOB is on the minus strand). VCF-style: chr2-21006267-C-T. GRCh37 (hg19) VCF-style: chr2-21229139-C-T.
Other names: short protein forms G3534D.
Identifiers: ClinVar variation 3885387 (VCV003885387.1).

ClinVar aggregate classification (germline): Uncertain significance (1 of 4 stars; one submission).

Conditions:
Cardiovascular phenotype. Identifiers: MedGen CN230736.

Submission:

Ambry Genetics
Classification: Uncertain significance for Cardiovascular phenotype. Last evaluated: 2025-03-04. Review status: criteria provided, single submitter. Criteria: Ambry Variant Classification Scheme 2023. Collection method: clinical testing. Allele origin: germline.
Comment: The p.G3534D variant (also known as c.10601G>A), located in coding exon 26 of the APOB gene, results from a G to A substitution at nucleotide position 10601. The glycine at codon 3534 is replaced by aspartic acid, an amino acid with similar properties. This amino acid position is conserved. In addition, the in silico prediction for this alteration is inconclusive. Based on the available evidence, the clinical significance of this variant remains unclear.